The following is an entry in ClinVar:

NM_021224.6(ZNF462):c.637C>A (p.Gln213Lys)

Gene: ZNF462 (zinc finger protein 462; plus strand). Cytogenetic location: 9q31.2.
Variant type: single nucleotide variant.
Coding change: c.637C>A on transcript NM_021224.6 (MANE Select); coding-DNA position 637, C replaced by A.
Protein change: p.Gln213Lys; replaces glutamine 213 with lysine.
Molecular consequence: missense variant.
Genome position (GRCh38, 1-based): chr9:106,924,549, C>A. VCF-style: chr9-106924549-C-A. GRCh37 (hg19) VCF-style: chr9-109686830-C-A.
Other names: c.637C>A, p.Gln213Lys (NM_001347997.2); short protein forms Q213K.
Identifiers: ClinVar variation 3359554 (VCV003359554.1).
Genomic context (GRCh38, chr9:106,924,549, plus strand): 5'-ACTGCTCCCCCACCTGCTCCTGCTCCAATGCCAGACCCTGTGGTTCCGCCCGTATCACTG[C>A]AGGACCCCTGCAAGGAACTGCCAGCAGAGGTTGTGGAGCGCAGCATCTTAGAGTCTATGG-3'
Protein context (NP_067047.4, residues 203-223): PDPVVPPVSL[Gln213Lys]DPCKELPAEV

ClinVar aggregate classification (germline): Uncertain significance (1 of 4 stars; one submission).

Submission:

GeneDx
Classification: Uncertain significance. Last evaluated: 2023-06-09. Review status: criteria provided, single submitter. Criteria: GeneDx Variant Classification Process June 2021. Collection method: clinical testing. Allele origin: germline. Affected: yes.
Comment: Not observed at significant frequency in large population cohorts (gnomAD); In silico analysis supports that this missense variant does not alter protein structure/function; Has not been previously published as pathogenic or benign to our knowledge